The following is an entry in ClinVar:

NM_001082486.2(ACD):c.936C>G (p.Ser312Arg)

Gene: ACD (ACD shelterin complex subunit and telomerase recruitment factor; minus strand). Cytogenetic location: 16q22.1.
Variant type: single nucleotide variant.
Coding change: c.936C>G on transcript NM_001082486.2 (MANE Select); coding-DNA position 936, C replaced by G.
Protein change: p.Ser312Arg; replaces serine 312 with arginine.
Molecular consequence: missense variant.
Genome position (GRCh38, 1-based): chr16:67,658,256, G>C on the plus strand (C>G on the coding strand, the complement: ACD is on the minus strand). VCF-style: chr16-67658256-G-C. GRCh37 (hg19) VCF-style: chr16-67692159-G-C.
Other names: c.849C>G, p.Ser283Arg (NM_001410884.1); c.927C>G, p.Ser309Arg (NM_022914.3); short protein forms S283R, S309R, S312R.
Identifiers: ClinVar variation 1745608 (VCV001745608.2), dbSNP rs1438891181, ClinGen allele CA396352733.

ClinVar aggregate classification (germline): Uncertain significance (1 of 4 stars; one submission).

Conditions:
Inborn genetic diseases. Identifiers: MedGen C0950123, MeSH D030342.

Allele frequency attached by ClinVar (database versions not stated): TOPMed 0.00001.

Submission:

Ambry Genetics
Classification: Uncertain significance for Inborn genetic diseases. Last evaluated: 2022-07-29. Review status: criteria provided, single submitter. Criteria: Ambry Variant Classification Scheme 2023. Collection method: clinical testing. Allele origin: germline.
Comment: The p.S398R variant (also known as c.1194C>G), located in coding exon 10 of the ACD gene, results from a C to G substitution at nucleotide position 1194. The serine at codon 398 is replaced by arginine, an amino acid with dissimilar properties. This amino acid position is conserved. In addition, this alteration is predicted to be tolerated by in silico analysis. Since supporting evidence is limited at this time, the clinical significance of this alteration remains unclear.